The following is an entry in ClinVar:

NM_001375524.1(TRRAP):c.10669G>C (p.Glu3557Gln)

Gene: TRRAP (transformation/transcription domain associated protein; plus strand). Cytogenetic location: 7q22.1.
Variant type: single nucleotide variant.
Coding change: c.10669G>C on transcript NM_001375524.1 (MANE Select); coding-DNA position 10669, G replaced by C.
Protein change: p.Glu3557Gln; replaces glutamic acid 3557 with glutamine.
Molecular consequence: missense variant.
Genome position (GRCh38, 1-based): chr7:99,005,264, G>C. VCF-style: chr7-99005264-G-C. GRCh37 (hg19) VCF-style: chr7-98602887-G-C.
Other names: c.10627G>C, p.Glu3543Gln (NM_001244580.2); c.10540G>C, p.Glu3514Gln (NM_003496.4); short protein forms E3543Q, E3514Q, E3557Q.
Identifiers: ClinVar variation 4764036 (VCV004764036.1).

ClinVar aggregate classification (germline): Uncertain significance (1 of 4 stars; one submission).

Submission:

Labcorp Genetics (formerly Invitae), Labcorp
Classification: Uncertain significance. Last evaluated: 2025-03-19. Review status: criteria provided, single submitter. Criteria: Invitae Variant Classification Sherloc (09022015). Collection method: clinical testing. Allele origin: germline.
Comment: This sequence change replaces glutamic acid, which is acidic and polar, with glutamine, which is neutral and polar, at codon 3514 of the TRRAP protein (p.Glu3514Gln). This variant is not present in population databases (gnomAD no frequency). This variant has not been reported in the literature in individuals affected with TRRAP-related conditions. Invitae Evidence Modeling of protein sequence and biophysical properties (such as structural, functional, and spatial information, amino acid conservation, physicochemical variation, residue mobility, and thermodynamic stability) indicates that this missense variant is expected to disrupt TRRAP protein function with a positive predictive value of 80%. In summary, the available evidence is currently insufficient to determine the role of this variant in disease. Therefore, it has been classified as a Variant of Uncertain Significance.